The following is an entry in ClinVar:

ClinVar aggregate classification (germline): no classifications from unflagged records (0 of 4 stars; one submission).

Conditions:
Fibrous dysplasia of jaw (CRBM). Also called: Cherubism. Identifiers: Orphanet 184, MedGen C0008029, MONDO:0007315, OMIM 118400.

Submission:

Labcorp Genetics (formerly Invitae), Labcorp
Classification: Uncertain significance for Fibrous dysplasia of jaw. Last evaluated: 2022-07-26. Review status: flagged submission. Criteria: Invitae Variant Classification Sherloc (09022015). Collection method: clinical testing. Allele origin: germline.
Comment: A gross deletion of the genomic region encompassing the full coding sequence of the SH3BP2 gene has been identified. The current clinical and genetic evidence is not sufficient to establish whether loss-of-function variants in SH3BP2 cause disease. The boundaries of this event are unknown as they extend beyond the assayed region for this gene and therefore may encompass additional genes. This variant has not been reported in the literature in individuals affected with SH3BP2-related conditions. In summary, the available evidence is currently insufficient to determine the role of this variant in disease. Therefore, it has been classified as a Variant of Uncertain Significance.
ClinVar note: Notes: This submission was flagged because its interpretation of this variant conflicts with the ClinGen Gene Dosage Map curation for the gene NSD2.
ClinVar note: Reason: Conflict with ClinGen Gene Dosage Map

NC_000004.11:g.(?_493125)_(3495228_?)del

Genes: ADD1 (adducin 1; plus strand), ASPNAT (aspartate N-acetyltransferase; plus strand), ATP5ME (ATP synthase membrane subunit e; minus strand), CPLX1 (complexin 1; minus strand), CRIPAK (cysteine rich PAK1 inhibitor; plus strand) and 43 more. Cytogenetic location: 4p16.3.
Variant type: Deletion.
Identifiers: ClinVar variation 1421534 (VCV001421534.37).